The following is an entry in ClinVar:

NM_004006.3(DMD):c.4190T>C (p.Ile1397Thr)

Gene: DMD (dystrophin; minus strand). Cytogenetic location: Xp21.1.
Variant type: single nucleotide variant.
Coding change: c.4190T>C on transcript NM_004006.3 (MANE Select); coding-DNA position 4190, T replaced by C.
Protein change: p.Ile1397Thr; replaces isoleucine 1397 with threonine.
Molecular consequence: missense variant.
Genome position (GRCh38, 1-based): chrX:32,411,795, A>G on the plus strand (T>C on the coding strand, the complement: DMD is on the minus strand). VCF-style: chrX-32411795-A-G. GRCh37 (hg19) VCF-style: chrX-32429912-A-G.
Other names: c.4166T>C, p.Ile1389Thr (NM_000109.4); c.4178T>C, p.Ile1393Thr (NM_004009.3); c.3821T>C, p.Ile1274Thr (NM_004010.3); c.167T>C, p.Ile56Thr (NM_004011.4); c.158T>C, p.Ile53Thr (NM_004012.4); c.4190T>C (NM_004006.2); short protein forms I1274T, I1389T, I1393T, I1397T, I53T, I56T.
Identifiers: ClinVar variation 1008372 (VCV001008372.12), dbSNP rs974271827, ClinGen allele CA328007504.
Genomic context (GRCh38, chrX:32,411,795, plus strand): 5'-TTCCCAGATGTACTTGCCTGGGCTTCCTGAGGCATTTGAGCTGCGTCCACCTTGTCTGCA[A>G]TATAAGCTGCCAACTGCTTGTCAATGAATGTGAGGGACTCCTGGATTAAGTGTAAGGATT-3'
Protein context (NP_003997.2, residues 1387-1407): TFIDKQLAAY[Ile1397Thr]ADKVDAAQMP

ClinVar aggregate classification (germline): Conflicting classifications of pathogenicity. Review status: criteria provided, conflicting classifications (1 of 4 stars). 3 submissions from 3 submitters: Uncertain significance (1); Likely benign (1). 1 of the submissions does not count toward it. Last evaluated 2026-08-12.

Conditions:
Duchenne muscular dystrophy (DMD). Also called: Duchenne Muscular Dystrophy (DMD); MUSCULAR DYSTROPHY, PSEUDOHYPERTROPHIC PROGRESSIVE, DUCHENNE TYPE. Identifiers: Orphanet 98896, MedGen C0013264, MONDO:0010679, OMIM 310200.
Cardiomyopathy (CMYO). Also called: Cardiomyopathies. Identifiers: Orphanet 167848, MedGen C0878544, MONDO:0004994, HP:0001638. Inheritance: Various modes of inheritance.
Becker muscular dystrophy (BMD). Also called: MUSCULAR DYSTROPHY, PSEUDOHYPERTROPHIC PROGRESSIVE, BECKER TYPE; Becker Muscular Dystrophy (BMD). Identifiers: Orphanet 98895, MedGen C0917713, MONDO:0010311, OMIM 300376.
Dystrophin deficiency.
Cardiovascular phenotype. Identifiers: MedGen CN230736.

Allele frequency attached by ClinVar (database versions not stated): gnomAD exomes below 0.00001; TOPMed 0.00003.
gnomAD v4.1: 1 of 1,211,592 alleles (0.000083%); highest among the groups gnomAD compares: Non-Finnish European, 0.00011%; no homozygotes.

Submissions (3):

Ambry Genetics
Classification: Likely benign for Cardiovascular phenotype. Last evaluated: 2026-08-12. Review status: criteria provided, single submitter. Criteria: Ambry Variant Classification Scheme 2023. Collection method: clinical testing. Allele origin: germline.

Labcorp Genetics (formerly Invitae), Labcorp
Classification: Uncertain significance for Duchenne muscular dystrophy. Last evaluated: 2025-08-21. Review status: criteria provided, single submitter. Criteria: Invitae Variant Classification Sherloc (09022015). Collection method: clinical testing. Allele origin: germline.
Comment: This sequence change replaces isoleucine, which is neutral and non-polar, with threonine, which is neutral and polar, at codon 1397 of the DMD protein (p.Ile1397Thr). This variant is not present in population databases (gnomAD no frequency). This variant has not been reported in the literature in individuals affected with DMD-related conditions. ClinVar contains an entry for this variant (Variation ID: 1008372). Invitae Evidence Modeling of protein sequence and biophysical properties (such as structural, functional, and spatial information, amino acid conservation, physicochemical variation, residue mobility, and thermodynamic stability) indicates that this missense variant is not expected to disrupt DMD protein function with a negative predictive value of 95%. In summary, the available evidence is currently insufficient to determine the role of this variant in disease. Therefore, it has been classified as a Variant of Uncertain Significance.

Natera, Inc.
Classification: Uncertain significance for Becker muscular dystrophy; Cardiomyopathy; Duchenne muscular dystrophy; Dystrophin deficiency. Last evaluated: 2018-10-10. Review status: no assertion criteria provided. Collection method: clinical testing. Allele origin: germline. Not counted in ClinVar's aggregate classification.